The following is an entry in ClinVar:

NM_024580.6(EFL1):c.1331G>A (p.Arg444His)

Gene: EFL1 (elongation factor like GTPase 1; minus strand). Cytogenetic location: 15q25.2.
Variant type: single nucleotide variant.
Coding change: c.1331G>A on transcript NM_024580.6 (MANE Select); coding-DNA position 1331, G replaced by A.
Protein change: p.Arg444His; replaces arginine 444 with histidine.
Molecular consequence: missense variant. On other transcripts: non-coding transcript variant (1).
Genome position (GRCh38, 1-based): chr15:82,220,191, C>T on the plus strand (G>A on the coding strand, the complement: EFL1 is on the minus strand). VCF-style: chr15-82220191-C-T. GRCh37 (hg19) VCF-style: chr15-82512532-C-T.
Other names: p.Arg444His; c.1178G>A, p.Arg393His (NM_001040610.3); c.542G>A, p.Arg181His (NM_001322844.2); c.1331G>A, p.Arg444His (NM_001322845.2); short protein forms R393H, R444H, R181H.
Identifiers: ClinVar variation 1348194 (VCV001348194.4), dbSNP rs376049845, ClinGen allele CA7698005.
Genomic context (GRCh38, chr15:82,220,191, plus strand): 5'-GGCTCCAAGGGTGCCTGTCCCTGTGCTGCTGCAAGCTTCTCTGCATGCCTTTGTCTTGCA[C>T]GCTCACGTCTCTGAGCAATTTCTTCTTGAGTGAGAGGCCTACAGGATATCACAAATATGC-3'
Protein context (NP_078856.4, residues 434-454): TQEEIAQRRE[Arg444His]ARQRHAEKLA

ClinVar aggregate classification (germline): Uncertain significance. Review status: criteria provided, multiple submitters, no conflicts (2 of 4 stars). 2 submissions from 2 submitters: Uncertain significance (2). Last evaluated 2025-01-22.

Allele frequency attached by ClinVar (database versions not stated): ExAC 0.00004; ESP Exome Variant Server 0.00016; TOPMed 0.00005; gnomAD exomes 0.00007 and 0.00008.
gnomAD v4.1: 120 of 1,611,462 alleles (0.0074%); highest among the groups gnomAD compares: Middle Eastern, 0.017%; no homozygotes.

Submissions (2):

Mayo Clinic Laboratories, Mayo Clinic
Classification: Uncertain significance. Last evaluated: 2025-01-22. Review status: criteria provided, single submitter. Criteria: ACMG Guidelines, 2015. Collection method: clinical testing. Allele origin: germline. Observed: 1 variant allele.
Comment: BP4

Labcorp Genetics (formerly Invitae), Labcorp
Classification: Uncertain significance. Last evaluated: 2022-09-02. Review status: criteria provided, single submitter. Criteria: Invitae Variant Classification Sherloc (09022015). Collection method: clinical testing. Allele origin: germline.
Comment: This sequence change replaces arginine, which is basic and polar, with histidine, which is basic and polar, at codon 444 of the EFL1 protein (p.Arg444His). This variant is present in population databases (rs376049845, gnomAD 0.01%). This variant has not been reported in the literature in individuals affected with EFL1-related conditions. ClinVar contains an entry for this variant (Variation ID: 1348194). Algorithms developed to predict the effect of missense changes on protein structure and function are either unavailable or do not agree on the potential impact of this missense change (SIFT: "Tolerated"; PolyPhen-2: "Not Available"; Align-GVGD: "Class C0"). In summary, the available evidence is currently insufficient to determine the role of this variant in disease. Therefore, it has been classified as a Variant of Uncertain Significance.